The following is an entry in ClinVar:

NM_181672.3(OGT):c.439G>A (p.Val147Ile)

Gene: OGT (O-linked N-acetylglucosamine (GlcNAc) transferase; plus strand). Cytogenetic location: Xq13.1.
Variant type: single nucleotide variant.
Coding change: c.439G>A on transcript NM_181672.3 (MANE Select); coding-DNA position 439, G replaced by A.
Protein change: p.Val147Ile; replaces valine 147 with isoleucine.
Molecular consequence: missense variant.
Genome position (GRCh38, 1-based): chrX:71,538,049, G>A. VCF-style: chrX-71538049-G-A. GRCh37 (hg19) VCF-style: chrX-70757899-G-A.
Other names: c.409G>A, p.Val137Ile (NM_181673.3); short protein forms V137I, V147I.
Identifiers: ClinVar variation 4776911 (VCV004776911.1).

ClinVar aggregate classification (germline): Uncertain significance (1 of 4 stars; one submission).

gnomAD v4.1: 9 of 1,211,410 alleles (0.00074%); highest among the groups gnomAD compares: East Asian, 0.003%; no homozygotes.

Submission:

Labcorp Genetics (formerly Invitae), Labcorp
Classification: Uncertain significance. Last evaluated: 2025-12-20. Review status: criteria provided, single submitter. Criteria: Invitae Variant Classification Sherloc (09022015). Collection method: clinical testing. Allele origin: germline.
Comment: This sequence change replaces valine, which is neutral and non-polar, with isoleucine, which is neutral and non-polar, at codon 147 of the OGT protein (p.Val147Ile). This variant is present in population databases (rs368768611, gnomAD 0.001%). This variant has not been reported in the literature in individuals affected with OGT-related conditions. Invitae Evidence Modeling of protein sequence and biophysical properties (such as structural, functional, and spatial information, amino acid conservation, physicochemical variation, residue mobility, and thermodynamic stability) indicates that this missense variant is not expected to disrupt OGT protein function with a negative predictive value of 80%. In summary, the available evidence is currently insufficient to determine the role of this variant in disease. Therefore, it has been classified as a Variant of Uncertain Significance.